The following is an entry in ClinVar:

ClinVar aggregate classification (germline): Uncertain significance (1 of 4 stars; one submission).

Conditions:
Charcot-Marie-Tooth disease type 4. Also called: Charcot-Marie-Tooth disease, type IV; Charcot-Marie-Tooth, Type 4. Identifiers: Orphanet 64749, MedGen C4082197, MONDO:0018995.

Allele frequency attached by ClinVar (database versions not stated): TOPMed below 0.00001; gnomAD 0.00001.
gnomAD v4.1: 1 of 1,612,104 alleles (0.000062%); highest among the groups gnomAD compares: Non-Finnish European, 0.000085%; no homozygotes.

Submission:

Labcorp Genetics (formerly Invitae), Labcorp
Classification: Uncertain significance for Charcot-Marie-Tooth disease type 4. Last evaluated: 2018-05-29. Review status: criteria provided, single submitter. Criteria: Invitae Variant Classification Sherloc (09022015). Collection method: clinical testing. Allele origin: germline.
Comment: In summary, the available evidence is currently insufficient to determine the role of this variant in disease. Therefore, it has been classified as a Variant of Uncertain Significance. Algorithms developed to predict the effect of missense changes on protein structure and function are either unavailable or do not agree on the potential impact of this missense change (SIFT: "Deleterious"; PolyPhen-2: "Benign"; Align-GVGD: "Class C0"). This variant has not been reported in the literature in individuals with SBF2-related disease. This variant is not present in population databases (ExAC no frequency). This sequence change replaces proline with leucine at codon 130 of the SBF2 protein (p.Pro130Leu). The proline residue is highly conserved and there is a moderate physicochemical difference between proline and leucine.

NM_030962.4(SBF2):c.389C>T (p.Pro130Leu)

Gene: SBF2 (SET binding factor 2; minus strand). Cytogenetic location: 11p15.4.
Variant type: single nucleotide variant.
Coding change: c.389C>T on transcript NM_030962.4 (MANE Select); coding-DNA position 389, C replaced by T.
Protein change: p.Pro130Leu; replaces proline 130 with leucine.
Molecular consequence: missense variant.
Genome position (GRCh38, 1-based): chr11:10,031,061, G>A on the plus strand (C>T on the coding strand, the complement: SBF2 is on the minus strand). VCF-style: chr11-10031061-G-A. GRCh37 (hg19) VCF-style: chr11-10052608-G-A.
Other names: c.389C>T, p.Pro130Leu (NM_001386339.1, NM_001386342.1); short protein forms P130L.
Identifiers: ClinVar variation 579593 (VCV000579593.9), dbSNP rs1201147678, ClinGen allele CA379646551.